The following is an entry in ClinVar:

NM_006231.4(POLE):c.2045A>C (p.Glu682Ala)

Gene: POLE (DNA polymerase epsilon, catalytic subunit; minus strand). Cytogenetic location: 12q24.33.
Variant type: single nucleotide variant.
Coding change: c.2045A>C on transcript NM_006231.4 (MANE Select); coding-DNA position 2045, A replaced by C.
Protein change: p.Glu682Ala; replaces glutamic acid 682 with alanine.
Molecular consequence: missense variant.
Genome position (GRCh38, 1-based): chr12:132,668,484, T>G on the plus strand (A>C on the coding strand, the complement: POLE is on the minus strand). VCF-style: chr12-132668484-T-G. GRCh37 (hg19) VCF-style: chr12-133245070-T-G.
Other names: short protein forms E682A.
Identifiers: ClinVar variation 4841511 (VCV004841511.1).

ClinVar aggregate classification (germline): Uncertain significance (1 of 4 stars; one submission).

Conditions:
Hereditary cancer-predisposing syndrome. Also called: Neoplastic Syndromes, Hereditary; Tumor predisposition; Hereditary Cancer Syndrome; Hereditary neoplastic syndrome. Identifiers: Orphanet 140162, MedGen C0027672, MeSH D009386, MONDO:0015356.

Submission:

Ambry Genetics
Classification: Uncertain significance for Hereditary cancer-predisposing syndrome. Last evaluated: 2026-01-11. Review status: criteria provided, single submitter. Criteria: Ambry Variant Classification Scheme 2023. Collection method: clinical testing. Allele origin: germline.
Comment: The p.E682A variant (also known as c.2045A>C), located in coding exon 19 of the POLE gene, results from an A to C substitution at nucleotide position 2045. The glutamic acid at codon 682 is replaced by alanine, an amino acid with dissimilar properties. This amino acid position is conserved. In addition, the in silico prediction for this alteration is inconclusive. Based on the available evidence, the clinical significance of this variant remains unclear.